The following is an entry in ClinVar:

ClinVar aggregate classification (germline): Likely benign (1 of 4 stars; one submission).

Submission:

CeGaT Center for Human Genetics Tuebingen
Classification: Likely benign. Last evaluated: 2026-09-01. Review status: criteria provided, single submitter. Criteria: CeGaT Center For Human Genetics Tuebingen Variant Classification Criteria Version 2. Collection method: clinical testing. Allele origin: germline. Affected: yes. Observed: 1 variant allele.
Comment: LEFTY2: BP4, BP7

NM_003240.5(LEFTY2):c.399C>T (p.His133=)

Gene: LEFTY2 (left-right determination factor 2; minus strand). Cytogenetic location: 1q42.12.
Variant type: single nucleotide variant.
Coding change: c.399C>T on transcript NM_003240.5 (MANE Select); coding-DNA position 399, C replaced by T.
Protein change: p.His133=; no amino-acid change (histidine 133 retained).
Molecular consequence: synonymous variant.
Genome position (GRCh38, 1-based): chr1:225,939,854, G>A on the plus strand (C>T on the coding strand, the complement: LEFTY2 is on the minus strand). VCF-style: chr1-225939854-G-A. GRCh37 (hg19) VCF-style: chr1-226127554-G-A.
Other names: c.297C>T, p.His99= (NM_001172425.3).
Identifiers: ClinVar variation 5041570 (VCV005041570.1).